The following is an entry in ClinVar:

ClinVar aggregate classification (germline): Uncertain significance (1 of 4 stars; one submission).

Conditions:
Meester-Loeys syndrome. Also called: X-linked severe syndromic thoracic aortic aneurysm and dissection. Identifiers: Orphanet 622925, MedGen C4310811, MONDO:0010515, OMIM 300989.

Allele frequency attached by ClinVar (database versions not stated): gnomAD exomes below 0.00001.

Submission:

Victorian Clinical Genetics Services, Murdoch Childrens Research Institute
Classification: Uncertain significance for Meester-Loeys syndrome. Last evaluated: 2021-05-06. Review status: criteria provided, single submitter. Criteria: ACMG Guidelines, 2015. Collection method: clinical testing. Allele origin: germline. Affected: yes.
Comment: Based on the classification scheme VCGS_Germline_v1.3.4, this variant is classified as VUS-3B. Following criteria are met: 0102 - Loss of function is a known mechanism of disease in this gene and is associated with Meester-Loeys syndrome (MIN#300989) and X-linked spondyloepimetaphyseal dysplasia (MIM#300106). (I) 0109 - This gene is associated with X-linked disease. (I) 0200 - Variant is predicted to result in a missense amino acid change from lysine to arginine. (I) 0251 - This variant is heterozygous. (I) 0301 - Variant is absent from gnomAD (both v2 and v3). (SP) 0502 - Missense variant with conflicting in silico predictions and uninformative conservation. (I) 0600 - Variant is located in the annotated leucine rich repeat 5 (NCBI). (I) 0705 - No comparable variants have previous evidence for pathogenicity. (I) 0807 - This variant has no previous evidence of pathogenicity. (I) 0905 - No published segregation evidence has been identified for this variant. (I) 1007 - No published functional evidence has been identified for this variant. (I) 1208 - Inheritance information for this variant is not currently available in this individual. (I) Legend: (SP) - Supporting pathogenic, (I) - Information, (SB) - Supporting benign

NM_001711.6(BGN):c.518A>G (p.Lys173Arg)

Gene: BGN (biglycan; plus strand). Cytogenetic location: Xq28.
Variant type: single nucleotide variant.
Coding change: c.518A>G on transcript NM_001711.6 (MANE Select); coding-DNA position 518, A replaced by G.
Protein change: p.Lys173Arg; replaces lysine 173 with arginine.
Molecular consequence: missense variant.
Genome position (GRCh38, 1-based): chrX:153,506,029, A>G. VCF-style: chrX-153506029-A-G. GRCh37 (hg19) VCF-style: chrX-152771487-A-G.
Other names: short protein forms K173R.
Identifiers: ClinVar variation 1805879 (VCV001805879.2), dbSNP rs2521214230, ClinGen allele CA415069881.